The following is an entry in ClinVar:

NM_152594.3(SPRED1):c.1283G>T (p.Arg428Leu)

Gene: SPRED1 (sprouty related EVH1 domain containing 1; plus strand). Cytogenetic location: 15q14.
Variant type: single nucleotide variant.
Coding change: c.1283G>T on transcript NM_152594.3 (MANE Select); coding-DNA position 1283, G replaced by T.
Protein change: p.Arg428Leu; replaces arginine 428 with leucine.
Molecular consequence: missense variant.
Genome position (GRCh38, 1-based): chr15:38,351,612, G>T. VCF-style: chr15-38351612-G-T. GRCh37 (hg19) VCF-style: chr15-38643813-G-T.
Other names: short protein forms R428L.
Identifiers: ClinVar variation 3961413 (VCV003961413.1).

ClinVar aggregate classification (germline): Uncertain significance (1 of 4 stars; one submission).

Conditions:
Cardiovascular phenotype. Identifiers: MedGen CN230736.

gnomAD v4.1: 1 of 1,614,024 alleles (0.000062%); highest among the groups gnomAD compares: South Asian, 0.0011%; no homozygotes.

Submission:

Ambry Genetics
Classification: Uncertain significance for Cardiovascular phenotype. Last evaluated: 2025-06-12. Review status: criteria provided, single submitter. Criteria: Ambry Variant Classification Scheme 2023. Collection method: clinical testing. Allele origin: germline.
Comment: The p.R428L variant (also known as c.1283G>T), located in coding exon 7 of the SPRED1 gene, results from a G to T substitution at nucleotide position 1283. The arginine at codon 428 is replaced by leucine, an amino acid with dissimilar properties. This amino acid position is conserved. In addition, this alteration is predicted to be tolerated by in silico analysis. Based on the available evidence, the clinical significance of this variant remains unclear.